The following is an entry in ClinVar:

NM_020822.3(KCNT1):c.1461C>T (p.Leu487=)

Gene: KCNT1 (potassium sodium-activated channel subfamily T member 1; plus strand). Cytogenetic location: 9q34.3.
Variant type: single nucleotide variant.
Coding change: c.1461C>T on transcript NM_020822.3 (MANE Select); coding-DNA position 1461, C replaced by T.
Protein change: p.Leu487=; no amino-acid change (leucine 487 retained).
Molecular consequence: synonymous variant.
Genome position (GRCh38, 1-based): chr9:135,768,888, C>T. VCF-style: chr9-135768888-C-T. GRCh37 (hg19) VCF-style: chr9-138660734-C-T.
Other names: c.1326C>T, p.Leu442= (NM_001272003.2).
Identifiers: ClinVar variation 386731 (VCV000386731.6), dbSNP rs763089040, ClinGen allele CA5326913.

ClinVar aggregate classification (germline): Likely benign. Review status: criteria provided, multiple submitters, no conflicts (2 of 4 stars). 2 submissions from 2 submitters: Likely benign (2). Last evaluated 2024-02-24.

Conditions:
Developmental and epileptic encephalopathy, 14 (DEE14). Also called: Early infantile epileptic encephalopathy 14. Identifiers: Orphanet 293181, MedGen C3554195, MONDO:0013989, OMIM 614959.
Autosomal dominant nocturnal frontal lobe epilepsy 5. Also called: KCNT1-Related Epilepsy; CILIARY DYSKINESIA, PRIMARY, 28, WITHOUT SITUS INVERSUS; CILIARY DYSKINESIA, PRIMARY, 28, WITH SITUS INVERSUS; Epilepsy, nocturnal frontal lobe, 5. Identifiers: Orphanet 98784, MedGen C3554306, MONDO:0014002, OMIM 615005.

Allele frequency attached by ClinVar (database versions not stated): gnomAD below 0.00001 and 0.00001; gnomAD exomes 0.00004; ExAC 0.00006.
gnomAD v4.1: 33 of 1,613,466 alleles (0.002%); highest among the groups gnomAD compares: South Asian, 0.034%; no homozygotes.

Submissions (2):

Labcorp Genetics (formerly Invitae), Labcorp
Classification: Likely benign for Autosomal dominant nocturnal frontal lobe epilepsy 5; Developmental and epileptic encephalopathy, 14. Last evaluated: 2024-02-24. Review status: criteria provided, single submitter. Criteria: Invitae Variant Classification Sherloc (09022015). Collection method: clinical testing. Allele origin: germline.

GeneDx
Classification: Likely benign. Last evaluated: 2016-06-03. Review status: criteria provided, single submitter. Criteria: GeneDx Variant Classification (06012015). Collection method: clinical testing. Allele origin: germline. Affected: yes.
Comment: This variant is considered likely benign or benign based on one or more of the following criteria: it is a conservative change, it occurs at a poorly conserved position in the protein, it is predicted to be benign by multiple in silico algorithms, and/or has population frequency not consistent with disease.